The following is an entry in ClinVar:

ClinVar aggregate classification (germline): Uncertain significance (1 of 4 stars; one submission).

Submission:

Labcorp Genetics (formerly Invitae), Labcorp
Classification: Uncertain significance. Last evaluated: 2021-06-23. Review status: criteria provided, single submitter. Criteria: Invitae Variant Classification Sherloc (09022015). Collection method: clinical testing. Allele origin: germline.
Comment: In summary, the available evidence is currently insufficient to determine the role of this variant in disease. Therefore, it has been classified as a Variant of Uncertain Significance. Algorithms developed to predict the effect of missense changes on protein structure and function (SIFT, PolyPhen-2, Align-GVGD) all suggest that this variant is likely to be tolerated, but these predictions have not been confirmed by published functional studies and their clinical significance is uncertain. This variant has not been reported in the literature in individuals with TBX20-related conditions. This variant is not present in population databases (ExAC no frequency). This sequence change replaces serine with asparagine at codon 355 of the TBX20 protein (p.Ser355Asn). The serine residue is weakly conserved and there is a small physicochemical difference between serine and asparagine.

NM_001077653.2(TBX20):c.1064G>A (p.Ser355Asn)

Gene: TBX20 (T-box transcription factor 20; minus strand). Cytogenetic location: 7p14.2.
Variant type: single nucleotide variant.
Coding change: c.1064G>A on transcript NM_001077653.2 (MANE Select); coding-DNA position 1064, G replaced by A.
Protein change: p.Ser355Asn; replaces serine 355 with asparagine.
Molecular consequence: missense variant.
Genome position (GRCh38, 1-based): chr7:35,202,710, C>T on the plus strand (G>A on the coding strand, the complement: TBX20 is on the minus strand). VCF-style: chr7-35202710-C-T. GRCh37 (hg19) VCF-style: chr7-35242322-C-T.
Other names: short protein forms S355N.
Identifiers: ClinVar variation 1363264 (VCV001363264.8), dbSNP rs2128709463, ClinGen allele CA367263289.